The following is an entry in ClinVar:

NM_001330588.2(TPP2):c.1867G>A (p.Ala623Thr)

Gene: TPP2 (tripeptidyl peptidase 2; plus strand). Cytogenetic location: 13q33.1.
Variant type: single nucleotide variant.
Coding change: c.1867G>A on transcript NM_001330588.2 (MANE Select); coding-DNA position 1867, G replaced by A.
Protein change: p.Ala623Thr; replaces alanine 623 with threonine.
Molecular consequence: missense variant. On other transcripts: non-coding transcript variant (1).
Genome position (GRCh38, 1-based): chr13:102,638,269, G>A. VCF-style: chr13-102638269-G-A. GRCh37 (hg19) VCF-style: chr13-103290619-G-A.
Other names: c.1867G>A, p.Ala623Thr (NM_001367947.1, NM_003291.4); short protein forms A623T.
Identifiers: ClinVar variation 2894879 (VCV002894879.2), dbSNP rs546738350, ClinGen allele CA7037855.

ClinVar aggregate classification (germline): Uncertain significance (1 of 4 stars; one submission).

Conditions:
Evans syndrome, immunodeficiency, and premature immunosenescence associated with tripeptidyl-peptidase II deficiency. Identifiers: MedGen CN231723. Disease mechanism: loss of function.

Allele frequency attached by ClinVar (database versions not stated): gnomAD 0.00007; gnomAD exomes 0.00008; ExAC 0.00020; 1000 Genomes Project 0.00040; 1000 Genomes Project 30x 0.00047.
gnomAD v4.1: 123 of 1,612,664 alleles (0.0076%); highest among the groups gnomAD compares: South Asian, 0.12%; 1 homozygote.

Submission:

Labcorp Genetics (formerly Invitae), Labcorp
Classification: Uncertain significance for Evans syndrome, immunodeficiency, and premature immunosenescence associated with tripeptidyl-peptidase II deficiency. Last evaluated: 2023-11-03. Review status: criteria provided, single submitter. Criteria: Invitae Variant Classification Sherloc (09022015). Collection method: clinical testing. Allele origin: germline.
Comment: This sequence change replaces alanine, which is neutral and non-polar, with threonine, which is neutral and polar, at codon 623 of the TPP2 protein (p.Ala623Thr). This variant is present in population databases (rs546738350, gnomAD 0.1%). This variant has not been reported in the literature in individuals affected with TPP2-related conditions. An algorithm developed to predict the effect of missense changes on protein structure and function (PolyPhen-2) suggests that this variant¬¨‚Ä†is likely to be tolerated. In summary, the available evidence is currently insufficient to determine the role of this variant in disease. Therefore, it has been classified as a Variant of Uncertain Significance.